The following is an entry in ClinVar:

NM_001382567.1(STIM1):c.1783C>T (p.His595Tyr)

Gene: STIM1 (stromal interaction molecule 1; plus strand). Cytogenetic location: 11p15.4.
Variant type: single nucleotide variant.
Coding change: c.1783C>T on transcript NM_001382567.1 (MANE Select); coding-DNA position 1783, C replaced by T.
Protein change: p.His595Tyr; replaces histidine 595 with tyrosine.
Molecular consequence: missense variant. On other transcripts: 3 prime UTR variant (4), non-coding transcript variant (3).
Genome position (GRCh38, 1-based): chr11:4,091,430, C>T. VCF-style: chr11-4091430-C-T. GRCh37 (hg19) VCF-style: chr11-4112660-C-T.
Other names: c.2008C>T, p.His670Tyr (NM_001277961.3); c.*104C>T (NM_001277962.2, NM_001382578.1, NM_001382579.1 and 1 more transcripts); c.1786C>T, p.His596Tyr (NM_001382566.1); c.1711C>T, p.His571Tyr (NM_001382568.1); c.1555C>T, p.His519Tyr (NM_001382569.1); c.1462C>T, p.His488Tyr (NM_001382570.1); c.1210C>T, p.His404Tyr (NM_001382571.1); c.1468C>T, p.His490Tyr (NM_001382575.1, NM_001382576.1, NM_001382577.1); and 2 more; short protein forms H401Y, H404Y, H488Y, H490Y, H519Y, H564Y, H571Y, H595Y.
Identifiers: ClinVar variation 3760032 (VCV003760032.2).

ClinVar aggregate classification (germline): Uncertain significance (1 of 4 stars; one submission).

Conditions:
Combined immunodeficiency due to STIM1 deficiency. Also called: STIM1 DEFICIENCY; IMMUNODEFICIENCY 10. Identifiers: Orphanet 169090, Orphanet 317430, MedGen C2748557, MONDO:0013008, OMIM 612783.
Stormorken syndrome (STRMK). Also called: THROMBOCYTOPATHY, ASPLENIA, AND MIOSIS. Identifiers: Orphanet 3204, MedGen C1861451, MONDO:0008497, OMIM 185070.
Myopathy with tubular aggregates (TAM). Also called: Tubular Aggregate Myopathy. Identifiers: Orphanet 2593, MedGen C0410207, MONDO:0008051.

gnomAD v4.1: 2 of 1,614,208 alleles (0.00012%); highest among the groups gnomAD compares: Admixed American, 0.0033%; no homozygotes.

Submission:

Labcorp Genetics (formerly Invitae), Labcorp
Classification: Uncertain significance for Myopathy with tubular aggregates; Combined immunodeficiency due to STIM1 deficiency; Stormorken syndrome. Last evaluated: 2024-03-19. Review status: criteria provided, single submitter. Criteria: Invitae Variant Classification Sherloc (09022015). Collection method: clinical testing. Allele origin: germline.
Comment: This sequence change replaces histidine, which is basic and polar, with tyrosine, which is neutral and polar, at codon 564 of the STIM1 protein (p.His564Tyr). This variant is present in population databases (rs775795048, gnomAD 0.006%). This variant has not been reported in the literature in individuals affected with STIM1-related conditions. Advanced modeling of protein sequence and biophysical properties (such as structural, functional, and spatial information, amino acid conservation, physicochemical variation, residue mobility, and thermodynamic stability) has been performed at Invitae for this missense variant, however the output from this modeling did not meet the statistical confidence thresholds required to predict the impact of this variant on STIM1 protein function. In summary, the available evidence is currently insufficient to determine the role of this variant in disease. Therefore, it has been classified as a Variant of Uncertain Significance.